The following is an entry in ClinVar:

NM_033222.5(PSIP1):c.348T>G (p.Ser116Arg)

Gene: PSIP1 (PC4 and SRSF1 interacting protein 1; minus strand). Cytogenetic location: 9p22.3.
Variant type: single nucleotide variant.
Coding change: c.348T>G on transcript NM_033222.5 (MANE Select); coding-DNA position 348, T replaced by G.
Protein change: p.Ser116Arg; replaces serine 116 with arginine.
Molecular consequence: missense variant.
Genome position (GRCh38, 1-based): chr9:15,486,872, A>C on the plus strand (T>G on the coding strand, the complement: PSIP1 is on the minus strand). VCF-style: chr9-15486872-A-C. GRCh37 (hg19) VCF-style: chr9-15486870-A-C.
Other names: c.348T>G, p.Ser116Arg (NM_001128217.3, NM_001317898.3, NM_001317900.3 and 1 more transcripts); short protein forms S116R.
Identifiers: ClinVar variation 2659090 (VCV002659090.24), dbSNP rs2821529, ClinGen allele CA372977458.

ClinVar aggregate classification (germline): Uncertain significance (1 of 4 stars; one submission).

gnomAD v4.1: 2 of 1,612,320 alleles (0.00012%); highest among the groups gnomAD compares: East Asian, 0.0045%; no homozygotes.

Submission:

CeGaT Center for Human Genetics Tuebingen
Classification: Uncertain significance. Last evaluated: 2022-11-01. Review status: criteria provided, single submitter. Criteria: CeGaT Center For Human Genetics Tuebingen Variant Classification Criteria Version 2. Collection method: clinical testing. Allele origin: germline. Affected: yes. Observed: 1 variant allele.
Comment: PSIP1: PM2, BP4